The following is an entry in ClinVar:

ClinVar aggregate classification (germline): Uncertain significance (1 of 4 stars; one submission).

Conditions:
Hereditary nonpolyposis colorectal neoplasms. Identifiers: MedGen C0009405, MeSH D003123.

Submission:

Labcorp Genetics (formerly Invitae), Labcorp
Classification: Uncertain significance for Hereditary nonpolyposis colorectal neoplasms. Last evaluated: 2022-09-02. Review status: criteria provided, single submitter. Criteria: Invitae Variant Classification Sherloc (09022015). Collection method: clinical testing. Allele origin: germline.
Comment: This sequence change replaces proline, which is neutral and non-polar, with threonine, which is neutral and polar, at codon 566 of the PMS2 protein (p.Pro566Thr). This variant is not present in population databases (gnomAD no frequency). This variant has not been reported in the literature in individuals affected with PMS2-related conditions. Advanced modeling of protein sequence and biophysical properties (such as structural, functional, and spatial information, amino acid conservation, physicochemical variation, residue mobility, and thermodynamic stability) performed at Invitae indicates that this missense variant is not expected to disrupt PMS2 protein function. In summary, the available evidence is currently insufficient to determine the role of this variant in disease. Therefore, it has been classified as a Variant of Uncertain Significance.

NM_000535.7(PMS2):c.1696C>A (p.Pro566Thr)

Gene: PMS2 (PMS1 homolog 2, mismatch repair system component; minus strand). Cytogenetic location: 7p22.1.
Variant type: single nucleotide variant.
Coding change: c.1696C>A on transcript NM_000535.7 (MANE Select); coding-DNA position 1696, C replaced by A.
Protein change: p.Pro566Thr; replaces proline 566 with threonine.
Molecular consequence: missense variant. On other transcripts: non-coding transcript variant (1).
Genome position (GRCh38, 1-based): chr7:5,987,069, G>T on the plus strand (C>A on the coding strand, the complement: PMS2 is on the minus strand). VCF-style: chr7-5987069-G-T. GRCh37 (hg19) VCF-style: chr7-6026700-G-T.
Other names: c.1291C>A, p.Pro431Thr (NM_001018040.1, NM_001322003.2, NM_001322004.2 and 17 more transcripts); c.1540C>A, p.Pro514Thr (NM_001322006.2, NM_001406870.1); c.1378C>A, p.Pro460Thr (NM_001322007.2, NM_001322008.2, NM_001406903.1 and 2 more transcripts); c.1135C>A, p.Pro379Thr (NM_001322010.2, NM_001406906.1, NM_001406907.1); c.763C>A, p.Pro255Thr (NM_001322011.2, NM_001322012.2); c.1123C>A, p.Pro375Thr (NM_001322013.2, NM_001406909.1); c.1696C>A, p.Pro566Thr (NM_001322014.2, NM_001406871.1, NM_001406872.1); c.1387C>A, p.Pro463Thr (NM_001322015.2, NM_001406875.1, NM_001406877.1 and 5 more transcripts); and 12 more; short protein forms P309T, P431T, P628T, P255T, P379T, P514T, P566T, P375T.
Identifiers: ClinVar variation 2123042 (VCV002123042.4), dbSNP rs767724368, ClinGen allele CA366741161.